The following is an entry in ClinVar:

NM_000455.5(STK11):c.837C>G (p.Gly279=)

Gene: STK11 (serine/threonine kinase 11; plus strand). Cytogenetic location: 19p13.3.
Variant type: single nucleotide variant.
Coding change: c.837C>G on transcript NM_000455.5 (MANE Select); coding-DNA position 837, C replaced by G.
Protein change: p.Gly279=; no amino-acid change (glycine 279 retained).
Molecular consequence: synonymous variant.
Genome position (GRCh38, 1-based): chr19:1,221,315, C>G. VCF-style: chr19-1221315-C-G. GRCh37 (hg19) VCF-style: chr19-1221314-C-G.
Identifiers: ClinVar variation 492558 (VCV000492558.17), dbSNP rs373021819, ClinGen allele CA504707283.

ClinVar aggregate classification (germline): Benign/Likely benign. Review status: criteria provided, multiple submitters, no conflicts (2 of 4 stars). 5 submissions from 5 submitters: Benign (1); Likely benign (4). Last evaluated 2025-03-27.

Conditions:
Hereditary cancer-predisposing syndrome. Also called: Tumor predisposition; Neoplastic Syndromes, Hereditary; Hereditary Cancer Syndrome; Hereditary neoplastic syndrome. Identifiers: Orphanet 140162, MedGen C0027672, MeSH D009386, MONDO:0015356.
Peutz-Jeghers syndrome (PJS). Also called: POLYPOSIS, HAMARTOMATOUS INTESTINAL; POLYPS-AND-SPOTS SYNDROME; Peutz-Jeghers polyposis; Periorificial lentiginosis syndrome. Identifiers: Orphanet 2869, MedGen C0031269, MeSH D010580, MONDO:0008280, OMIM 175200.

gnomAD v4.1: 3 of 1,609,736 alleles (0.00019%); highest among the groups gnomAD compares: Non-Finnish European, 0.00017%; no homozygotes.

Submissions (5):

Myriad Genetics, Inc.
Classification: Benign for Peutz-Jeghers syndrome. Last evaluated: 2025-03-27. Review status: criteria provided, single submitter. Criteria: Myriad Autosomal Dominant, Autosomal Recessive and X-Linked Classification Criteria (2023). Collection method: clinical testing. Allele origin: unknown.
Comment: This variant is considered benign. This variant is a silent/synonymous amino acid change and it is not expected to impact splicing.

Labcorp Genetics (formerly Invitae), Labcorp
Classification: Likely benign for Peutz-Jeghers syndrome. Last evaluated: 2024-10-02. Review status: criteria provided, single submitter. Criteria: Invitae Variant Classification Sherloc (09022015). Collection method: clinical testing. Allele origin: germline.

All of Us Research Program, National Institutes of Health
Classification: Likely benign for Peutz-Jeghers syndrome. Last evaluated: 2023-12-18. Review status: criteria provided, single submitter. Criteria: ACMG Guidelines, 2015. Collection method: clinical testing. Allele origin: germline. Inheritance: Autosomal dominant inheritance. Observed: 1 variant allele, 1 heterozygote.
Comment: This study involves interpretation of variants in research participants for the purpose of population health screening. Participant phenotype was not available at the time of variant classification. Additional details can be found in publication PMID: 35346344, PMCID: PMC8962531

Ambry Genetics
Classification: Likely benign for Hereditary cancer-predisposing syndrome. Last evaluated: 2023-03-24. Review status: criteria provided, single submitter. Criteria: Ambry Variant Classification Scheme 2023. Collection method: clinical testing. Allele origin: germline.

Color Diagnostics, LLC DBA Color Health
Classification: Likely benign for Hereditary cancer-predisposing syndrome. Last evaluated: 2016-10-14. Review status: criteria provided, single submitter. Criteria: ACMG Guidelines, 2015. Collection method: clinical testing. Allele origin: germline.